The following is an entry in ClinVar:

ClinVar aggregate classification (germline): Uncertain significance (1 of 4 stars; one submission).

Conditions:
LRRC32-related disorder. Also called: LRRC32-related condition.

Submission:

PreventionGenetics, part of Exact Sciences
Classification: Uncertain significance for LRRC32-related condition. Last evaluated: 2024-12-20. Review status: criteria provided, single submitter. Criteria: ACMG Guidelines, 2015. Collection method: clinical testing. Allele origin: germline.
Comment: The LRRC32 c.1276G>A variant is predicted to result in the amino acid substitution p.Gly426Arg. To our knowledge, this variant has not been reported in the literature. This variant is present in 0.016% of alleles in individuals of East Asian descent in gnomAD. At this time, the clinical significance of this variant is uncertain due to the absence of conclusive functional and genetic evidence.

NM_001128922.2(LRRC32):c.1276G>A (p.Gly426Arg)

Genes: LRRC32 (leucine rich repeat containing 32; minus strand), LRRC32-AS1 (LRRC32 antisense RNA 1; plus strand). Cytogenetic location: 11q13.5.
Variant type: single nucleotide variant.
Coding change: c.1276G>A on transcript NM_001128922.2 (MANE Select); coding-DNA position 1276, G replaced by A.
Protein change: p.Gly426Arg; replaces glycine 426 with arginine.
Molecular consequence: missense variant. On other transcripts: non-coding transcript variant (1), intron variant (1).
Genome position (GRCh38, 1-based): chr11:76,660,317, C>T on the plus strand (G>A on the coding strand, the complement: LRRC32 is on the minus strand). VCF-style: chr11-76660317-C-T. GRCh37 (hg19) VCF-style: chr11-76371361-C-T.
Other names: c.1276G>A, p.Gly426Arg (NM_001370187.1, NM_001370188.1, NM_005512.3); c.1210G>A, p.Gly404Arg (NM_001370189.1); c.946G>A, p.Gly316Arg (NM_001370190.1); c.85-2283G>A (NM_001370191.1); short protein forms G316R, G404R, G426R.
Identifiers: ClinVar variation 4982094 (VCV004982094.1).